The following is an entry in ClinVar:

NM_170662.5(CBLB):c.1670C>T (p.Pro557Leu)

Gene: CBLB (Cbl proto-oncogene B; minus strand). Cytogenetic location: 3q13.11.
Variant type: single nucleotide variant.
Coding change: c.1670C>T on transcript NM_170662.5 (MANE Select); coding-DNA position 1670, C replaced by T.
Protein change: p.Pro557Leu; replaces proline 557 with leucine.
Molecular consequence: missense variant. On other transcripts: non-coding transcript variant (7).
Genome position (GRCh38, 1-based): chr3:105,702,383, G>A on the plus strand (C>T on the coding strand, the complement: CBLB is on the minus strand). VCF-style: chr3-105702383-G-A. GRCh37 (hg19) VCF-style: chr3-105421227-G-A.
Other names: c.1754C>T, p.Pro585Leu (NM_001321786.1, NM_001321789.1); c.1670C>T, p.Pro557Leu (NM_001321788.2, NM_001321791.2, NM_001321793.2 and 4 more transcripts); c.1736C>T, p.Pro579Leu (NM_001321790.2); c.1523C>T, p.Pro508Leu (NM_001321796.2, NM_001321799.2); c.890C>T, p.Pro297Leu (NM_001321806.2, NM_001321807.2, NM_001321808.2 and 3 more transcripts); c.482C>T, p.Pro161Leu (NM_001321820.2); c.341C>T, p.Pro114Leu (NM_001321822.2); short protein forms P557L, P114L, P161L, P297L, P508L, P579L, P585L.
Identifiers: ClinVar variation 133822 (VCV000133822.1), dbSNP rs148064625, ClinGen allele CA157891.

ClinVar aggregate classification (germline): not provided (0 of 4 stars; one submission).

Allele frequency attached by ClinVar (database versions not stated): ExAC 0.00007; gnomAD exomes 0.00010 and 0.00012; ESP Exome Variant Server 0.00015; gnomAD 0.00021; TOPMed 0.00027.
gnomAD v4.1: 207 of 1,611,528 alleles (0.013%); highest among the groups gnomAD compares: Admixed American, 0.042%; no homozygotes.

Submission:

ITMI
No classification provided. Condition: AllHighlyPenetrant. Last evaluated: 2013-09-19. Review status: no classification provided. Collection method: reference population. Allele origin: germline.
Comment: Please see associated publication for description of ethnicities

Literature cited by the submitters: PubMed 24728327.